The following is an entry in ClinVar:

ClinVar aggregate classification (germline): Pathogenic (1 of 4 stars; one submission).

Conditions:
Smith-Lemli-Opitz syndrome (SLOS). Also called: POLYDACTYLY, SEX REVERSAL, RENAL HYPOPLASIA, AND UNILOBAR LUNG; RSH SYNDROME; RUTLEDGE LETHAL MULTIPLE CONGENITAL ANOMALY SYNDROME; LETHAL ACRODYSGENITAL SYNDROME; 7-Dehydrocholesterol reductase deficiency. Identifiers: Orphanet 818, MedGen C0175694, MONDO:0010035, OMIM 270400.

Submission:

Labcorp Genetics (formerly Invitae), Labcorp
Classification: Pathogenic for Smith-Lemli-Opitz syndrome. Last evaluated: 2023-10-27. Review status: criteria provided, single submitter. Criteria: Invitae Variant Classification Sherloc (09022015). Collection method: clinical testing. Allele origin: germline.
Comment: This sequence change replaces glycine, which is neutral and non-polar, with serine, which is neutral and polar, at codon 309 of the DHCR7 protein (p.Gly309Ser). This variant is not present in population databases (gnomAD no frequency). This missense change has been observed in individual(s) with Smith–Lemli–Opitz syndrome (PMID: 11175299, 15521979, 15805162). In at least one individual the data is consistent with being in trans (on the opposite chromosome) from a pathogenic variant. ClinVar contains an entry for this variant (Variation ID: 1457935). Advanced modeling of protein sequence and biophysical properties (such as structural, functional, and spatial information, amino acid conservation, physicochemical variation, residue mobility, and thermodynamic stability) performed at Invitae indicates that this missense variant is expected to disrupt DHCR7 protein function with a positive predictive value of 95%. For these reasons, this variant has been classified as Pathogenic.

Literature cited by the submitters: PubMed 11175299; PubMed 15521979; PubMed 15805162.

NM_001360.3(DHCR7):c.925G>A (p.Gly309Ser)

Gene: DHCR7 (7-dehydrocholesterol reductase; minus strand). Cytogenetic location: 11q13.4.
Variant type: single nucleotide variant.
Coding change: c.925G>A on transcript NM_001360.3 (MANE Select); coding-DNA position 925, G replaced by A.
Protein change: p.Gly309Ser; replaces glycine 309 with serine.
Molecular consequence: missense variant.
Genome position (GRCh38, 1-based): chr11:71,437,850, C>T on the plus strand (G>A on the coding strand, the complement: DHCR7 is on the minus strand). VCF-style: chr11-71437850-C-T. GRCh37 (hg19) VCF-style: chr11-71148896-C-T.
Other names: c.925G>A, p.Gly309Ser (NM_001163817.2); short protein forms G309S.
Identifiers: ClinVar variation 1457935 (VCV001457935.6), dbSNP rs2135941811, ClinGen allele CA381702959.
Genomic context (GRCh38, chr11:71,437,850, plus strand): 5'-CCAGCTCTGCCCACCTCCTCACCTGCAGCGTGTAAAGATAAGGCAGCCAGACACAGTCGC[C>T]CCAGCCCAGGTACCACCCGAAGTGGTCATGGCAGATGTCAATGGTCTTCAGGTACCAGGT-3'
Protein context (NP_001351.2, residues 299-319): HDHFGWYLGW[Gly309Ser]DCVWLPYLYT